The following is an entry in ClinVar:

NM_001271.4(CHD2):c.5444A>G (p.Gln1815Arg)

Gene: CHD2 (chromodomain helicase DNA binding protein 2; plus strand). Cytogenetic location: 15q26.1.
Variant type: single nucleotide variant.
Coding change: c.5444A>G on transcript NM_001271.4 (MANE Select); coding-DNA position 5444, A replaced by G.
Protein change: p.Gln1815Arg; replaces glutamine 1815 with arginine.
Molecular consequence: missense variant.
Genome position (GRCh38, 1-based): chr15:93,024,662, A>G. VCF-style: chr15-93024662-A-G. GRCh37 (hg19) VCF-style: chr15-93567892-A-G.
Other names: c.5444A>G (NM_001271.3); short protein forms Q1815R.
Identifiers: ClinVar variation 1486337 (VCV001486337.9), dbSNP rs770556699, ClinGen allele CA393908796.

ClinVar aggregate classification (germline): Uncertain significance. Review status: criteria provided, multiple submitters, no conflicts (2 of 4 stars). 2 submissions from 2 submitters: Uncertain significance (2). Last evaluated 2022-05-22.

Conditions:
Inborn genetic diseases. Identifiers: MedGen C0950123, MeSH D030342.
Developmental and epileptic encephalopathy 94 (DEE94). Also called: CHD2-Related Neurodevelopmental Disorders; Epileptic encephalopathy, childhood-onset. Identifiers: Orphanet 1942, Orphanet 2382, MedGen C3809278, MONDO:0014150, OMIM 615369.

Submissions (2):

Ambry Genetics
Classification: Uncertain significance for Inborn genetic diseases. Last evaluated: 2022-05-22. Review status: criteria provided, single submitter. Criteria: Ambry Variant Classification Scheme 2023. Collection method: clinical testing. Allele origin: germline.

Labcorp Genetics (formerly Invitae), Labcorp
Classification: Uncertain significance for Developmental and epileptic encephalopathy 94. Last evaluated: 2020-11-06. Review status: criteria provided, single submitter. Criteria: Invitae Variant Classification Sherloc (09022015). Collection method: clinical testing. Allele origin: germline.
Comment: In summary, the available evidence is currently insufficient to determine the role of this variant in disease. Therefore, it has been classified as a Variant of Uncertain Significance. Advanced modeling of protein sequence and biophysical properties (such as structural, functional, and spatial information, amino acid conservation, physicochemical variation, residue mobility, and thermodynamic stability) performed at Invitae indicates that this missense variant is not expected to disrupt CHD2 protein function. This variant has not been reported in the literature in individuals with CHD2-related conditions. This variant is not present in population databases (ExAC no frequency). This sequence change replaces glutamine with arginine at codon 1815 of the CHD2 protein (p.Gln1815Arg). The glutamine residue is weakly conserved and there is a small physicochemical difference between glutamine and arginine.